The following is an entry in ClinVar:

ClinVar aggregate classification (germline): Uncertain significance. Review status: criteria provided, multiple submitters, no conflicts (2 of 4 stars). 2 submissions from 2 submitters: Uncertain significance (2). Last evaluated 2025-01-27.

Conditions:
Hereditary cancer-predisposing syndrome. Also called: Tumor predisposition; Hereditary Cancer Syndrome; Neoplastic Syndromes, Hereditary; Hereditary neoplastic syndrome. Identifiers: Orphanet 140162, MedGen C0027672, MeSH D009386, MONDO:0015356.
Gorlin syndrome. Also called: Basal cell nevus syndrome; Nevoid Basal Cell Carcinoma Syndrome. Identifiers: Orphanet 377, MedGen C0004779, MONDO:0007187.

Allele frequency attached by ClinVar (database versions not stated): gnomAD exomes below 0.00001; TOPMed below 0.00001; gnomAD 0.00001.
gnomAD v4.1: 4 of 1,614,066 alleles (0.00025%); highest among the groups gnomAD compares: Non-Finnish European, 0.00034%; no homozygotes.

Submissions (2):

Ambry Genetics
Classification: Uncertain significance for Hereditary cancer-predisposing syndrome. Last evaluated: 2025-01-27. Review status: criteria provided, single submitter. Criteria: Ambry Variant Classification Scheme 2023. Collection method: clinical testing. Allele origin: germline.
Comment: The p.T426I variant (also known as c.1277C>T), located in coding exon 9 of the PTCH1 gene, results from a C to T substitution at nucleotide position 1277. The threonine at codon 426 is replaced by isoleucine, an amino acid with similar properties. This amino acid position is conserved. In addition, this alteration is predicted to be deleterious by in silico analysis. Based on the available evidence, the clinical significance of this variant remains unclear.

Labcorp Genetics (formerly Invitae), Labcorp
Classification: Uncertain significance for Gorlin syndrome. Last evaluated: 2023-08-30. Review status: criteria provided, single submitter. Criteria: Invitae Variant Classification Sherloc (09022015). Collection method: clinical testing. Allele origin: germline.
Comment: This sequence change replaces threonine, which is neutral and polar, with isoleucine, which is neutral and non-polar, at codon 426 of the PTCH1 protein (p.Thr426Ile). This variant is not present in population databases (gnomAD no frequency). This variant has not been reported in the literature in individuals affected with PTCH1-related conditions. ClinVar contains an entry for this variant (Variation ID: 453780). Advanced modeling of protein sequence and biophysical properties (such as structural, functional, and spatial information, amino acid conservation, physicochemical variation, residue mobility, and thermodynamic stability) has been performed at Invitae for this missense variant, however the output from this modeling did not meet the statistical confidence thresholds required to predict the impact of this variant on PTCH1 protein function. In summary, the available evidence is currently insufficient to determine the role of this variant in disease. Therefore, it has been classified as a Variant of Uncertain Significance.

NM_000264.5(PTCH1):c.1277C>T (p.Thr426Ile)

Gene: PTCH1 (patched 1; minus strand). Cytogenetic location: 9q22.32.
Variant type: single nucleotide variant.
Coding change: c.1277C>T on transcript NM_000264.5 (MANE Select); coding-DNA position 1277, C replaced by T.
Protein change: p.Thr426Ile; replaces threonine 426 with isoleucine.
Molecular consequence: missense variant. On other transcripts: non-coding transcript variant (1).
Genome position (GRCh38, 1-based): chr9:95,478,125, G>A on the plus strand (C>T on the coding strand, the complement: PTCH1 is on the minus strand). VCF-style: chr9-95478125-G-A. GRCh37 (hg19) VCF-style: chr9-98240407-G-A.
Other names: c.1079C>T, p.Thr360Ile (NM_001083602.3); c.1274C>T, p.Thr425Ile (NM_001083603.3); c.824C>T, p.Thr275Ile (NM_001083604.3, NM_001083605.3, NM_001083606.3 and 1 more transcripts); c.1277C>T, p.Thr426Ile (NM_001354918.2); short protein forms T426I, T360I, T275I, T425I.
Identifiers: ClinVar variation 453780 (VCV000453780.11), dbSNP rs755787454, ClinGen allele CA196594009.
Genomic context (GRCh38, chr9:95,478,125, plus strand): 5'-TAGCCGCTGGCCACGCGGATGACACTGACGTCAGAGAAGGATTTCAGGATGTCGTCCAGG[G>A]TCGTGGTGGTGAAGGAAAGCACCTTTTGAGTGGAGTTCTGTGCGACACTCTGATGAACCA-3'
Protein context (NP_000255.2, residues 416-436): TQKVLSFTTT[Thr426Ile]LDDILKSFSD